The following is an entry in ClinVar:

NM_000059.4(BRCA2):c.5054C>A (p.Ser1685Ter)

Gene: BRCA2 (BRCA2 DNA repair associated; plus strand). Cytogenetic location: 13q13.1.
Variant type: single nucleotide variant.
Coding change: c.5054C>A on transcript NM_000059.4 (MANE Select); coding-DNA position 5054, C replaced by A.
Protein change: p.Ser1685Ter; replaces serine 1685 with a stop codon.
Molecular consequence: nonsense.
Genome position (GRCh38, 1-based): chr13:32,339,409, C>A. VCF-style: chr13-32339409-C-A. GRCh37 (hg19) VCF-style: chr13-32913546-C-A.
Other names: 5282C>A; short protein forms S1685*.
Identifiers: ClinVar variation 91832 (VCV000091832.25), dbSNP rs398122791, ClinGen allele CA021187.

ClinVar aggregate classification (germline): Pathogenic. Review status: reviewed by expert panel (3 of 4 stars). 8 submissions from 8 submitters: Pathogenic (1). 7 of the submissions do not count toward it. Last evaluated 2016-09-08.

Conditions:
Hereditary cancer-predisposing syndrome. Also called: Hereditary Cancer Syndrome; Neoplastic Syndromes, Hereditary; Hereditary neoplastic syndrome; Tumor predisposition. Identifiers: Orphanet 140162, MedGen C0027672, MeSH D009386, MONDO:0015356.
Breast-ovarian cancer, familial, susceptibility to, 2 (BROVCA2). Also called: BRCA2 Hereditary Breast and Ovarian Cancer. Identifiers: Orphanet 145, MedGen C2675520, MONDO:0012933, OMIM 612555. Disease mechanism: loss of function.
Breast-ovarian cancer, familial, susceptibility to, 1 (BROVCA1). Also called: BRCA1 Hereditary Breast and Ovarian Cancer; OVARIAN CANCER, SUSCEPTIBILITY TO. Identifiers: Orphanet 145, MedGen C2676676, MONDO:0011450, OMIM 604370. Disease mechanism: loss of function.
Hereditary breast ovarian cancer syndrome. Also called: Hereditary breast and/or ovarian cancer syndrome; Hereditary breast and ovarian cancer syndrome; Hereditary breast and ovarian cancer; Hereditary breast and ovarian cancer syndrome (HBOC); Breast and ovarian cancer; BRCA1- and BRCA2-Associated Hereditary Breast and Ovarian Cancer. Identifiers: Orphanet 145, MedGen C0677776, MeSH D061325, MONDO:0003582. Disease mechanism: loss of function.

Submissions (8):

Evidence-based Network for the Interpretation of Germline Mutant Alleles (ENIGMA)
Classification: Pathogenic for Breast-ovarian cancer, familial, susceptibility to, 2. Last evaluated: 2016-09-08. Review status: reviewed by expert panel. Criteria: ENIGMA BRCA1/2 Classification Criteria (2015). Collection method: curation. Allele origin: germline.
Comment: Variant allele predicted to encode a truncated non-functional protein.

Institute of Immunology and Genetics Kaiserslautern
Classification: Pathogenic for Breast-ovarian cancer, familial, susceptibility to, 1. Last evaluated: 2025-07-31. Review status: criteria provided, single submitter. Criteria: ACMG Guidelines, 2015. Collection method: clinical testing. Allele origin: germline. Affected: yes. Not counted in ClinVar's aggregate classification.
Comment: ACMG Criteria: PVS1, PM2, PP5_M.

Ambry Genetics
Classification: Pathogenic for Hereditary cancer-predisposing syndrome. Last evaluated: 2025-06-30. Review status: criteria provided, single submitter. Criteria: Ambry Variant Classification Scheme 2023. Collection method: clinical testing. Allele origin: germline. Not counted in ClinVar's aggregate classification.
Comment: The p.S1685* pathogenic mutation (also known as c.5054C>A), located in coding exon 10 of the BRCA2 gene, results from a C to A substitution at nucleotide position 5054. This changes the amino acid from a serine to a stop codon within coding exon 10. This variant has been identified amongst both breast cancer and ovarian cancer cohorts (Sun J et al. Clin Cancer Res, 2017 Oct;23:6113-6119; Carter NJ et al. Gynecol Oncol, 2018 12;151:481-488; Rumford M et al. Sci Rep, 2020 02;10:3390). This variant is considered to be rare based on population cohorts in the Genome Aggregation Database (gnomAD). In addition to the clinical data presented in the literature, this alteration is expected to result in loss of function by premature protein truncation or nonsense-mediated mRNA decay. As such, this alteration is interpreted as a disease-causing mutation.

Labcorp Genetics (formerly Invitae), Labcorp
Classification: Pathogenic for Hereditary breast ovarian cancer syndrome. Last evaluated: 2024-05-28. Review status: criteria provided, single submitter. Criteria: Invitae Variant Classification Sherloc (09022015). Collection method: clinical testing. Allele origin: germline. Not counted in ClinVar's aggregate classification.
Comment: This sequence change creates a premature translational stop signal (p.Ser1685*) in the BRCA2 gene. It is expected to result in an absent or disrupted protein product. Loss-of-function variants in BRCA2 are known to be pathogenic (PMID: 20104584). This variant is not present in population databases (gnomAD no frequency). This premature translational stop signal has been observed in individual(s) with clinical features of BRCA2-related conditions (PMID: 21520333). ClinVar contains an entry for this variant (Variation ID: 91832). For these reasons, this variant has been classified as Pathogenic.

Quest Diagnostics Nichols Institute San Juan Capistrano
Classification: Pathogenic. Last evaluated: 2024-05-24. Review status: criteria provided, single submitter. Criteria: Quest Diagnostics criteria. Collection method: clinical testing. Allele origin: unknown. Not counted in ClinVar's aggregate classification.
Comment: The BRCA2 c.5054C>A (p.Ser1685*) variant causes the premature termination of BRCA2 protein synthesis. This variant has been reported in the published literature in individuals with ovarian cancer (PMID: 32098980 (2020), 30322717 (2017)) and breast cancer (PMID: 28724667 (2017), 33471991 (2021), see also LOVD). This variant has not been reported in large, multi-ethnic general populations (Genome Aggregation Database). Based on the available information, this variant is classified as pathogenic.

GeneDx
Classification: Pathogenic. Last evaluated: 2023-08-24. Review status: criteria provided, single submitter. Criteria: GeneDx Variant Classification Process June 2021. Collection method: clinical testing. Allele origin: germline. Affected: yes. Not counted in ClinVar's aggregate classification.
Comment: Nonsense variant predicted to result in protein truncation or nonsense mediated decay in a gene for which loss of function is a known mechanism of disease; Observed in individuals with breast or ovarian cancer (Sun et al., 2017; Carter et al., 2018; Rumsford et al., 2020); Truncating variants in this gene are considered pathogenic by a well-established clinical consortium and/or database; Not observed at significant frequency in large population cohorts (gnomAD); Also known as 5282C>A; This variant is associated with the following publications: (PMID: 32377563, 28724667, 30322717, 32098980)

Color Diagnostics, LLC DBA Color Health
Classification: Pathogenic for Hereditary cancer-predisposing syndrome. Last evaluated: 2020-04-07. Review status: criteria provided, single submitter. Criteria: ACMG Guidelines, 2015. Collection method: clinical testing. Allele origin: germline. Not counted in ClinVar's aggregate classification.
Comment: This variant changes 1 nucleotide in exon 11 of the BRCA2 gene, creating a premature translation stop signal. This variant is expected to result in an absent or non-functional protein product. To our knowledge, this variant has not been reported in individuals affected with hereditary cancer in the literature. This variant has not been identified in the general population by the Genome Aggregation Database (gnomAD). Loss of BRCA2 function is a known mechanism of disease. Based on the available evidence, this variant is classified as Pathogenic.

Sharing Clinical Reports Project (SCRP)
Classification: Pathogenic for Breast-ovarian cancer, familial 2. Last evaluated: 2010-03-05. Review status: no assertion criteria provided. Collection method: clinical testing. Allele origin: germline. Not counted in ClinVar's aggregate classification.

Literature cited by the submitters: PubMed 28724667 (cited by Ambry Genetics and Quest Diagnostics Nichols Institute San Juan Capistrano); PubMed 30322717 (cited by Ambry Genetics and Quest Diagnostics Nichols Institute San Juan Capistrano); PubMed 32098980 (cited by Ambry Genetics and Quest Diagnostics Nichols Institute San Juan Capistrano); PubMed 20104584 (cited by Labcorp Genetics (formerly Invitae), Labcorp); PubMed 21520333 (cited by Labcorp Genetics (formerly Invitae), Labcorp); PubMed 33471991 (cited by Quest Diagnostics Nichols Institute San Juan Capistrano).